The following is an entry in ClinVar:

NM_001098511.3(KIF2A):c.1109A>G (p.Tyr370Cys)

Gene: KIF2A (kinesin family member 2A; plus strand). Cytogenetic location: 5q12.1.
Variant type: single nucleotide variant.
Coding change: c.1109A>G on transcript NM_001098511.3 (MANE Select); coding-DNA position 1109, A replaced by G.
Protein change: p.Tyr370Cys; replaces tyrosine 370 with cysteine.
Molecular consequence: missense variant.
Genome position (GRCh38, 1-based): chr5:62,362,531, A>G. VCF-style: chr5-62362531-A-G. GRCh37 (hg19) VCF-style: chr5-61658358-A-G.
Other names: c.1028A>G, p.Tyr343Cys (NM_001243952.2); c.1052A>G, p.Tyr351Cys (NM_001243953.2); c.1109A>G, p.Tyr370Cys (NM_004520.5); short protein forms Y343C, Y351C, Y370C.
Identifiers: ClinVar variation 2580711 (VCV002580711.1), dbSNP rs2531354655, ClinGen allele CA359950821.

ClinVar aggregate classification (germline): Uncertain significance (1 of 4 stars; one submission).

Submission:

GeneDx
Classification: Uncertain significance. Last evaluated: 2023-03-22. Review status: criteria provided, single submitter. Criteria: GeneDx Variant Classification Process June 2021. Collection method: clinical testing. Allele origin: germline. Affected: yes.
Comment: Not observed at significant frequency in large population cohorts (gnomAD); In silico analysis supports that this missense variant has a deleterious effect on protein structure/function; Has not been previously published as pathogenic or benign to our knowledge